The following is an entry in ClinVar:

NM_002900.3(RBP3):c.2101G>A (p.Val701Met)

Gene: RBP3 (retinol binding protein 3; plus strand). Cytogenetic location: 10q11.22.
Variant type: single nucleotide variant.
Coding change: c.2101G>A on transcript NM_002900.3 (MANE Select); coding-DNA position 2101, G replaced by A.
Protein change: p.Val701Met; replaces valine 701 with methionine.
Molecular consequence: missense variant.
Genome position (GRCh38, 1-based): chr10:47,350,585, G>A. VCF-style: chr10-47350585-G-A. GRCh37 (hg19) VCF-style: chr10-48388777-C-T.
Other names: short protein forms V701M.
Identifiers: ClinVar variation 1384037 (VCV001384037.9), dbSNP rs781920668, ClinGen allele CA5487359.
Genomic context (GRCh38, chr10:47,350,585, plus strand): 5'-TCTCTGGCCTCTCAGCTCACAGCAGACCTCCAGGAGGTGTCTGGGGACCACCGCTTGCTA[G>A]TGTTCCACAGCCCTGGCGAGCTGGTGGTAGAGGAAGCACCCCCACCACCCCCTGCTGTCC-3'
Protein context (NP_002891.1, residues 691-711): QEVSGDHRLL[Val701Met]FHSPGELVVE

ClinVar aggregate classification (germline): Uncertain significance. Review status: criteria provided, multiple submitters, no conflicts (2 of 4 stars). 2 submissions from 2 submitters: Uncertain significance (2). Last evaluated 2025-01-13.

gnomAD v4.1: 42 of 1,612,890 alleles (0.0026%); highest among the groups gnomAD compares: Non-Finnish European, 0.0035%; no homozygotes.

Submissions (2):

Labcorp Genetics (formerly Invitae), Labcorp
Classification: Uncertain significance. Last evaluated: 2025-01-13. Review status: criteria provided, single submitter. Criteria: Invitae Variant Classification Sherloc (09022015). Collection method: clinical testing. Allele origin: germline.
Comment: This sequence change replaces valine, which is neutral and non-polar, with methionine, which is neutral and non-polar, at codon 701 of the RBP3 protein (p.Val701Met). This variant is present in population databases (rs781920668, gnomAD 0.005%). This variant has not been reported in the literature in individuals affected with RBP3-related conditions. ClinVar contains an entry for this variant (Variation ID: 1384037). Invitae Evidence Modeling of protein sequence and biophysical properties (such as structural, functional, and spatial information, amino acid conservation, physicochemical variation, residue mobility, and thermodynamic stability) indicates that this missense variant is not expected to disrupt RBP3 protein function with a negative predictive value of 80%. In summary, the available evidence is currently insufficient to determine the role of this variant in disease. Therefore, it has been classified as a Variant of Uncertain Significance.

Blueprint Genetics
Classification: Uncertain significance. Last evaluated: 2022-06-10. Review status: criteria provided, single submitter. Criteria: ACMG Guidelines, 2015. Collection method: clinical testing. Allele origin: germline.